The following is an entry in ClinVar:

NM_001852.4(COL9A2):c.708_727dup (p.Lys243fs)

Gene: COL9A2 (collagen type IX alpha 2 chain; minus strand). Cytogenetic location: 1p34.2.
Variant type: Duplication.
Coding change: c.708_727dup on transcript NM_001852.4 (MANE Select); coding-DNA positions 708 to 727, 20 bases duplicated (CCCAGGCATGGCAGGGCCCA).
Protein change: p.Lys243fs; shifts the reading frame from lysine 243.
Molecular consequence: frameshift variant.
Genome position (GRCh38, 1-based): chr1:40,310,275-40,310,294, TGGGCCCTGCCATGCCTGGG duplicated on the plus strand (CCCAGGCATGGCAGGGCCCA on the coding strand, the reverse complement: COL9A2 is on the minus strand); duplicating any 20 consecutive bases within chr1:40,310,275-40,310,295 gives the same sequence; the c. name uses the placement nearest the transcript's 3' end. VCF-style (leftmost placement, unchanged base first): chr1-40310274-T-TTGGGCCCTGCCATGCCTGGG. GRCh37 (hg19) VCF-style: chr1-40775946-T-TTGGGCCCTGCCATGCCTGGG.
Other names: short protein forms K243fs.
Identifiers: ClinVar variation 4737750 (VCV004737750.1).

ClinVar aggregate classification (germline): Pathogenic (1 of 4 stars; one submission).

Submission:

Labcorp Genetics (formerly Invitae), Labcorp
Classification: Pathogenic. Last evaluated: 2025-02-23. Review status: criteria provided, single submitter. Criteria: Invitae Variant Classification Sherloc (09022015). Collection method: clinical testing. Allele origin: germline.
Comment: This sequence change creates a premature translational stop signal (p.Lys243Thrfs*82) in the COL9A2 gene. It is expected to result in an absent or disrupted protein product. Loss-of-function variants in COL9A2 are known to be pathogenic (PMID: 21671392, 33356723). This variant is not present in population databases (gnomAD no frequency). This variant has not been reported in the literature in individuals affected with COL9A2-related conditions. For these reasons, this variant has been classified as Pathogenic.

Literature cited by the submitters: PubMed 21671392; PubMed 33356723.